The following is an entry in ClinVar:

NM_001127222.2(CACNA1A):c.5941-2A>G

Gene: CACNA1A (calcium voltage-gated channel subunit alpha1 A; minus strand). Cytogenetic location: 19p13.13.
Variant type: single nucleotide variant.
Coding change: c.5941-2A>G on transcript NM_001127222.2 (MANE Select); the canonical splice acceptor site of the intron before coding-DNA position 5941, A replaced by G.
Molecular consequence: splice acceptor variant.
Genome position (GRCh38, 1-based): chr19:13,212,742, T>C on the plus strand (A>G on the coding strand, the complement: CACNA1A is on the minus strand). VCF-style: chr19-13212742-T-C. GRCh37 (hg19) VCF-style: chr19-13323556-T-C.
Other names: c.5944-2A>G (NM_001127221.2); c.5950-2A>G (NM_001174080.2); c.5959-2A>G (NM_000068.4, NM_023035.3).
Identifiers: ClinVar variation 522037 (VCV000522037.4), dbSNP rs1555731992, ClinGen allele CA404333703.
Genomic context (GRCh38, chr19:13,212,742, plus strand): 5'-CCCCCTTCCTGCGTTGGGGACGGGGGCTCCATGCGCTGGAACATGAGGGGTGTCCGGTCC[T>C]GGGGAATGGGGCAGAGAGCAGTGTGTGGACAAGGGTGGGGTGGTGGGACGGTGGTACCCA-3'

ClinVar aggregate classification (germline): Likely pathogenic (1 of 4 stars; one submission).

Conditions:
Inborn genetic diseases. Identifiers: MedGen C0950123, MeSH D030342.

Allele frequency attached by ClinVar (database versions not stated): gnomAD exomes below 0.00001.
gnomAD v4.1: 1 of 1,477,144 alleles (0.000068%); highest among the groups gnomAD compares: Non-Finnish European, 0.00009%; no homozygotes.

Submission:

Ambry Genetics
Classification: Likely pathogenic for Inborn genetic diseases. Last evaluated: 2023-10-16. Review status: criteria provided, single submitter. Criteria: Ambry Variant Classification Scheme 2023. Collection method: clinical testing. Allele origin: germline.
Comment: The c.5944-2A>G intronic variant results from an A to G substitution two nucleotides before coding exon 41 of the CACNA1A gene. Alterations that disrupt the canonical splice site are expected to result in aberrant splicing. The resulting transcript is predicted to be in-frame and is not expected to trigger nonsense-mediated mRNAdecay; however, direct evidence is unavailable. The exact functional effect of the altered amino acid sequence is unknown._x000D_ _x000D_ _x000D_ _x000D_ ; however, it is unlikely to be causative of CACNA1A-related spinocerebellar ataxia. This variant was not reported in population-based cohorts in the Genome Aggregation Database (gnomAD). This nucleotide position is highly conserved in available vertebrate species. In silico splice site analysis predicts that this alteration will weaken the native splice acceptor site and will result in the creation or strengthening of a novel splice acceptor site. Based on the available evidence, this alteration is classified as likely pathogenic.